The following is an entry in ClinVar:

ClinVar aggregate classification (germline): Uncertain significance (1 of 4 stars; one submission).

Submission:

Labcorp Genetics (formerly Invitae), Labcorp
Classification: Uncertain significance. Last evaluated: 2025-03-12. Review status: criteria provided, single submitter. Criteria: Invitae Variant Classification Sherloc (09022015). Collection method: clinical testing. Allele origin: germline.
Comment: This sequence change replaces aspartic acid, which is acidic and polar, with tyrosine, which is neutral and polar, at codon 1154 of the ELP1 protein (p.Asp1154Tyr). This variant also falls at the last nucleotide of exon 32, which is part of the consensus splice site for this exon. This variant is not present in population databases (gnomAD no frequency). This variant has not been reported in the literature in individuals affected with ELP1-related conditions. An algorithm developed to predict the effect of missense changes on protein structure and function (PolyPhen-2) suggests that this variant is likely to be disruptive. Variants that disrupt the consensus splice site are a relatively common cause of aberrant splicing (PMID: 17576681, 9536098). Algorithms developed to predict the effect of sequence changes on RNA splicing suggest that this variant may create or strengthen a splice site. In summary, the available evidence is currently insufficient to determine the role of this variant in disease. Therefore, it has been classified as a Variant of Uncertain Significance.

Literature cited by the submitters: PubMed 17576681; PubMed 9536098.

NM_003640.5(ELP1):c.3460G>T (p.Asp1154Tyr)

Gene: ELP1 (elongator acetyltransferase complex subunit 1; minus strand). Cytogenetic location: 9q31.3.
Variant type: single nucleotide variant.
Coding change: c.3460G>T on transcript NM_003640.5 (MANE Select); coding-DNA position 3460, G replaced by T.
Protein change: p.Asp1154Tyr; replaces aspartic acid 1154 with tyrosine.
Molecular consequence: missense variant.
Genome position (GRCh38, 1-based): chr9:108,880,052, C>A on the plus strand (G>T on the coding strand, the complement: ELP1 is on the minus strand). VCF-style: chr9-108880052-C-A. GRCh37 (hg19) VCF-style: chr9-111642332-C-A.
Other names: c.3118G>T, p.Asp1040Tyr (NM_001318360.2); c.2413G>T, p.Asp805Tyr (NM_001330749.2); short protein forms D1154Y, D805Y, D1040Y.
Identifiers: ClinVar variation 4751132 (VCV004751132.1).